The following is an entry in ClinVar:

ClinVar aggregate classification (germline): Likely pathogenic. Review status: criteria provided, multiple submitters, no conflicts (2 of 4 stars). 3 submissions from 3 submitters: Likely pathogenic (3). Last evaluated 2025-07-25.

Conditions:
Mucopolysaccharidosis type 1. Also called: IDUA deficiency; MPS I; Mucopolysaccharidosis Type I. Identifiers: Orphanet 579, MedGen C0023786, MONDO:0001586.

gnomAD v4.1: 3 of 1,589,564 alleles (0.00019%); highest among the groups gnomAD compares: South Asian, 0.0034%; no homozygotes.

Submissions (3):

Myriad Genetics, Inc.
Classification: Likely pathogenic for Mucopolysaccharidosis type 1. Last evaluated: 2025-07-25. Review status: criteria provided, single submitter. Criteria: Myriad Autosomal Dominant, Autosomal Recessive and X-Linked Classification Criteria (2023). Collection method: clinical testing. Allele origin: unknown.
Comment: NM_000203.3(IDUA):c.779C>T(S260F) is a missense variant classified as likely pathogenic in the context of mucopolysaccharidosis type I. S260F has been observed in cases with relevant disease (PMID: 12559846, 33301762, 37530313). Relevant functional assessments of this variant are available in the literature (PMID: 12559846). Internal structural analysis of the variant is supportive of pathogenicity. S260F has not been observed in referenced population frequency databases. In summary, NM_000203.3(IDUA):c.779C>T(S260F) is a missense variant that has both functional and internal structural support for pathogenicity and has been observed more frequently in cases with the relevant disease than in healthy populations. Please note: this variant was assessed in the context of healthy population screening.

Women's Health and Genetics/Laboratory Corporation of America, LabCorp
Classification: Likely pathogenic for Mucopolysaccharidosis type 1. Last evaluated: 2025-03-25. Review status: criteria provided, single submitter. Criteria: LabCorp Variant Classification Summary - May 2015. Collection method: clinical testing. Allele origin: germline.
Comment: Variant summary: IDUA c.779C>T (p.Ser260Phe) results in a non-conservative amino acid change in the encoded protein sequence. Five of five in-silico tools predict a damaging effect of the variant on protein function. The variant was absent in 200930 control chromosomes. c.779C>T has been reported in the literature in at least two compound heterozygous individuals affected with Mucopolysaccharidosis Type 1 (e.g. Matte_2003, Thomas_2021). These data indicate that the variant may be associated with disease. At least one publication reports experimental evidence evaluating an impact on protein function in vitro and found that the variant effect results in <10% of WT activity (Matte_2003). No submitters have cited clinical-significance assessments for this variant to ClinVar. The following publications have been ascertained in the context of this evaluation (PMID: 12559846, 33301762). Based on the evidence outlined above, the variant was classified as likely pathogenic.

Natera, Inc.
Classification: Likely pathogenic for Mucopolysaccharidosis type I. Last evaluated: 2025-02-15. Review status: criteria provided, single submitter. Criteria: Natera Variant Classification Schema (03/2026). Collection method: clinical testing. Allele origin: germline.
Comment: The c.779C>T variant in IDUA is a missense variant predicted to cause substitution of serine to phenylalanine at amino acid 260. This variant is rare in the general population with a frequency below the threshold expected for the associated phenotype(s). This variant has been observed in one or more individuals affected with the associated recessive disease, as either homozygous or compound heterozygous with a second variant (PMID: 12559846, 33301762). This variant has been identified in one or more affected individuals with a phenotype highly consistent with the associated gene (PMID: 33301762). Functional studies show that this variant may disrupt protein function (PMID: 12559846). Computational prediction algorithms indicate this variant is likely to affect gene or protein function. Given the available evidence, this variant is classified as Likely Pathogenic.

Literature cited by the submitters: PubMed 12559846 (cited by 3 submitters); PubMed 33301762 (cited by 3 submitters); PubMed 37530313 (cited by Myriad Genetics, Inc.).

NM_000203.5(IDUA):c.779C>T (p.Ser260Phe)

Gene: IDUA (alpha-L-iduronidase; plus strand). Cytogenetic location: 4p16.3.
Variant type: single nucleotide variant.
Coding change: c.779C>T on transcript NM_000203.5 (MANE Select); coding-DNA position 779, C replaced by T.
Protein change: p.Ser260Phe; replaces serine 260 with phenylalanine.
Molecular consequence: missense variant. On other transcripts: non-coding transcript variant (1).
Genome position (GRCh38, 1-based): chr4:1,001,868, C>T. VCF-style: chr4-1001868-C-T. GRCh37 (hg19) VCF-style: chr4-995656-C-T.
Other names: c.779C>T (NM_000203.4); c.383C>T, p.Ser128Phe (NM_001363576.1); short protein forms S128F, S260F.
Identifiers: ClinVar variation 3895951 (VCV003895951.4).